The following is an entry in ClinVar:

ClinVar aggregate classification (germline): Uncertain significance (1 of 4 stars; one submission).

Submission:

Labcorp Genetics (formerly Invitae), Labcorp
Classification: Uncertain significance. Last evaluated: 2024-07-05. Review status: criteria provided, single submitter. Criteria: Invitae Variant Classification Sherloc (09022015). Collection method: clinical testing. Allele origin: germline.
Comment: This sequence change replaces leucine, which is neutral and non-polar, with phenylalanine, which is neutral and non-polar, at codon 982 of the FLNB protein (p.Leu982Phe). This variant is not present in population databases (gnomAD no frequency). This variant has not been reported in the literature in individuals affected with FLNB-related conditions. Advanced modeling of protein sequence and biophysical properties (such as structural, functional, and spatial information, amino acid conservation, physicochemical variation, residue mobility, and thermodynamic stability) performed at Invitae indicates that this missense variant is not expected to disrupt FLNB protein function with a negative predictive value of 95%. In summary, the available evidence is currently insufficient to determine the role of this variant in disease. Therefore, it has been classified as a Variant of Uncertain Significance.

NM_001457.4(FLNB):c.2944C>T (p.Leu982Phe)

Gene: FLNB (filamin B; plus strand). Cytogenetic location: 3p14.3.
Variant type: single nucleotide variant.
Coding change: c.2944C>T on transcript NM_001457.4 (MANE Select); coding-DNA position 2944, C replaced by T.
Protein change: p.Leu982Phe; replaces leucine 982 with phenylalanine.
Molecular consequence: missense variant.
Genome position (GRCh38, 1-based): chr3:58,121,321, C>T. VCF-style: chr3-58121321-C-T. GRCh37 (hg19) VCF-style: chr3-58107048-C-T.
Other names: c.2944C>T, p.Leu982Phe (NM_001164317.2, NM_001164318.2, NM_001164319.2); short protein forms L982F.
Identifiers: ClinVar variation 3635716 (VCV003635716.2).